The following is an entry in ClinVar:

ClinVar aggregate classification (germline): Uncertain significance. Review status: criteria provided, multiple submitters, no conflicts (2 of 4 stars). 3 submissions from 3 submitters: Uncertain significance (2). 1 of the submissions does not count toward it. Last evaluated 2026-03-31.

Conditions:
Neuronal ceroid lipofuscinosis. Also called: Neuronal Ceroid Lipofuscinoses. Identifiers: Orphanet 216, Orphanet 79263, MedGen C0027877, MONDO:0016295. Disease mechanism: loss of function.

Allele frequency attached by ClinVar (database versions not stated): gnomAD 0.00003; TOPMed 0.00004.

Submissions (3):

GeneDx
Classification: Uncertain significance. Last evaluated: 2026-03-31. Review status: criteria provided, single submitter. Criteria: GeneDx Variant Classification Process June 2021. Collection method: clinical testing. Allele origin: germline.
Comment: Not observed at significant frequency in large population cohorts (gnomAD); In silico analysis suggests that this missense variant does not alter protein structure/function; Has not been previously published as pathogenic or benign to our knowledge

Labcorp Genetics (formerly Invitae), Labcorp
Classification: Uncertain significance for Neuronal ceroid lipofuscinosis. Last evaluated: 2022-05-12. Review status: criteria provided, single submitter. Criteria: Invitae Variant Classification Sherloc (09022015). Collection method: clinical testing. Allele origin: germline.
Comment: This sequence change replaces tryptophan, which is neutral and slightly polar, with cysteine, which is neutral and slightly polar, at codon 75 of the CLN5 protein (p.Trp75Cys). This variant is present in population databases (rs104894385, gnomAD 0.007%). This variant has not been reported in the literature in individuals affected with CLN5-related conditions. ClinVar contains an entry for this variant (Variation ID: 967064). Algorithms developed to predict the effect of missense changes on protein structure and function are either unavailable or do not agree on the potential impact of this missense change (SIFT: "Deleterious"; PolyPhen-2: "Benign"; Align-GVGD: "Class C0"). In summary, the available evidence is currently insufficient to determine the role of this variant in disease. Therefore, it has been classified as a Variant of Uncertain Significance.

Natera, Inc.
Classification: Uncertain significance for Neuronal ceroid lipofuscinosis. Last evaluated: 2020-06-19. Review status: no assertion criteria provided. Collection method: clinical testing. Allele origin: germline. Not counted in ClinVar's aggregate classification.

NM_006493.4(CLN5):c.78G>T (p.Trp26Cys)

Genes: CLN5 (CLN5 lysosomal BMP synthase; plus strand), LOC130009913 (ATAC-STARR-seq lymphoblastoid silent region 5414; plus strand). Cytogenetic location: 13q22.3.
Variant type: single nucleotide variant.
Coding change: c.78G>T on transcript NM_006493.4 (MANE Select); coding-DNA position 78, G replaced by T.
Protein change: p.Trp26Cys; replaces tryptophan 26 with cysteine.
Molecular consequence: missense variant.
Genome position (GRCh38, 1-based): chr13:76,992,176, G>T. VCF-style: chr13-76992176-G-T. GRCh37 (hg19) VCF-style: chr13-77566311-G-T.
Other names: c.78G>T, p.Trp26Cys (NM_001366624.2); short protein forms W26C.
Identifiers: ClinVar variation 967064 (VCV000967064.9), dbSNP rs104894385, ClinGen allele CA7007119.